The following is an entry in ClinVar:

ClinVar aggregate classification (germline): Uncertain significance (1 of 4 stars; one submission).

Conditions:
Cardiovascular phenotype. Identifiers: MedGen CN230736.

Submission:

Ambry Genetics
Classification: Uncertain significance for Cardiovascular phenotype. Last evaluated: 2025-03-30. Review status: criteria provided, single submitter. Criteria: Ambry Variant Classification Scheme 2023. Collection method: clinical testing. Allele origin: germline.
Comment: The p.V237G variant (also known as c.710T>G), located in coding exon 7 of the SPRED1 gene, results from a T to G substitution at nucleotide position 710. The valine at codon 237 is replaced by glycine, an amino acid with dissimilar properties. This amino acid position is conserved. In addition, this alteration is predicted to be deleterious by in silico analysis. Based on the available evidence, the clinical significance of this variant remains unclear.

NM_152594.3(SPRED1):c.710T>G (p.Val237Gly)

Gene: SPRED1 (sprouty related EVH1 domain containing 1; plus strand). Cytogenetic location: 15q14.
Variant type: single nucleotide variant.
Coding change: c.710T>G on transcript NM_152594.3 (MANE Select); coding-DNA position 710, T replaced by G.
Protein change: p.Val237Gly; replaces valine 237 with glycine.
Molecular consequence: missense variant.
Genome position (GRCh38, 1-based): chr15:38,351,039, T>G. VCF-style: chr15-38351039-T-G. GRCh37 (hg19) VCF-style: chr15-38643240-T-G.
Other names: short protein forms V237G.
Identifiers: ClinVar variation 3961368 (VCV003961368.1).